The following is an entry in ClinVar:

NM_001384140.1(PCDH15):c.3931del (p.Tyr1311fs)

Gene: PCDH15 (protocadherin related 15; minus strand). Cytogenetic location: 10q21.1.
Variant type: Deletion.
Coding change: c.3931del on transcript NM_001384140.1 (MANE Select); coding-DNA position 3931, one base deleted (T; older notation c.3931delT).
Protein change: p.Tyr1311fs; shifts the reading frame from tyrosine 1311.
Molecular consequence: frameshift variant.
Genome position (GRCh38, 1-based): chr10:53,840,372, A deleted on the plus strand (T on the coding strand, the reverse complement: PCDH15 is on the minus strand). VCF-style (leftmost placement, unchanged base first): chr10-53840371-TA-T. GRCh37 (hg19) VCF-style: chr10-55600131-TA-T.
Other names: c.3946del, p.Tyr1316fs (NM_001142763.2, NM_001142771.2); c.3931del, p.Tyr1311fs (NM_001142764.2, NM_001142766.2, NM_001142770.3 and 4 more transcripts); c.3718del, p.Tyr1240fs (NM_001142765.2); c.3820del, p.Tyr1274fs (NM_001142767.2); c.3865del, p.Tyr1289fs (NM_001142768.2, NM_001142773.2, NM_001354404.2); c.3967delT, p.Tyr1323Metfs (NM_001142769.4); c.3952del, p.Tyr1318fs (NM_001354411.2); short protein forms Y1240fs, Y1274fs, Y1289fs, Y1311fs, Y1316fs, Y1318fs, Y1323fs.
Identifiers: ClinVar variation 3601618 (VCV003601618.1).

ClinVar aggregate classification (germline): Likely pathogenic (1 of 4 stars; one submission).

Conditions:
Autosomal recessive nonsyndromic hearing loss 23. Identifiers: Orphanet 90636, MedGen C1836027, MONDO:0012293, OMIM 609533.

Submission:

Institute of Rare Diseases, West China Hospital, Sichuan University
Classification: Likely pathogenic for Autosomal recessive nonsyndromic hearing loss 23. Last evaluated: 2025-01-09. Review status: criteria provided, single submitter. Criteria: ClinGen HL ACMG Specifications v1. Collection method: research. Allele origin: germline. Affected: yes.
Comment: PVS1;PM2_Supporting